The following is an entry in ClinVar:

ClinVar aggregate classification (germline): Uncertain significance. Review status: reviewed by expert panel (3 of 4 stars). 2 submissions from 2 submitters: Uncertain significance (1). 1 of the submissions does not count toward it. Last evaluated 2025-08-01.

Conditions:
Malignant hyperthermia of anesthesia. Also called: Anesthesic-triggered malignant hyperthermia. Identifiers: Orphanet 423, MedGen C0024591, MONDO:0018493, HP:0034733.
RYR1-related disorder. Also called: RYR1-related disorders; RYR1-related condition. Identifiers: MedGen CN239331.

Submissions (2):

ClinGen Malignant Hyperthermia Susceptibility Variant Curation Expert Panel, ClinGen
Classification: Uncertain significance for Malignant hyperthermia of anesthesia. Last evaluated: 2025-08-01. Review status: reviewed by expert panel. Criteria: RYR1-MHS Interpretation Guidelines V2. Collection method: curation. Allele origin: germline. Inheritance: Autosomal dominant inheritance.
Comment: This pathogenicity assessment is relevant only for malignant hyperthermia susceptibility (MHS) inherited in an autosomal dominant pattern. Variants in RYR1 can also cause other myopathies inherited in an autosomal dominant pattern or in an autosomal recessive pattern. Some of these disorders may predispose individuals to malignant hyperthermia. RYR1 variants may also contribute to a malignant hyperthermia reaction in combination with other genetic and non-genetic factors and the clinician needs to consider such factors in making management decisions. This sequence variant predicts a substitution of phenylalanine with leucine at codon 2340 of the RYR1 protein, p.Phe2340Leu. This variant was not present in a large population database (gnomAD) at the time this variant was interpreted. This variant has been reported in an individual with a personal or family history of an MH episode and a positive in vitro contracture test (IVCT) or caffeine halothane contracture test (CHCT) result (if the proband was unavailable for testing, a positive diagnostic test result in a mutation-positive relative was counted), PS4_Supporting (PMID:25960145). Functional studies in HEK293 cells show an increased sensitivity to RYR1 agonists, PS3_Moderate (PMID: 39890490). This variant resides in a region of RYR1 considered to be a hotspot for pathogenic variants that contribute to MHS, PM1 (PMID: 21118704). A REVEL score of 0.789 supports neither a pathogenic nor a benign status for this variant. This variant has been classified as a Variant of Unknown Significance. Criteria implemented: PS3_Moderate, PS4_Supporting, PM1.

Labcorp Genetics (formerly Invitae), Labcorp
Classification: Pathogenic for RYR1-related disorder. Last evaluated: 2022-02-07. Review status: criteria provided, single submitter. Criteria: Invitae Variant Classification Sherloc (09022015). Collection method: clinical testing. Allele origin: germline. Not counted in ClinVar's aggregate classification.
Comment: This sequence change replaces phenylalanine, which is neutral and non-polar, with leucine, which is neutral and non-polar, at codon 2340 of the RYR1 protein (p.Phe2340Leu). For these reasons, this variant has been classified as Pathogenic. Advanced modeling of protein sequence and biophysical properties (such as structural, functional, and spatial information, amino acid conservation, physicochemical variation, residue mobility, and thermodynamic stability) performed at Invitae indicates that this missense variant is not expected to disrupt RYR1 protein function. ClinVar contains an entry for this variant (Variation ID: 1213821). This missense change has been observed in individual(s) with central core disease and/or malignant hyperthermia (PMID: 25960145, 28259615; Invitae). In at least one individual the variant was observed to be de novo. This variant is not present in population databases (gnomAD no frequency).

Literature cited by the submitters: PubMed 25960145 (cited by Labcorp Genetics (formerly Invitae), Labcorp); PubMed 28259615 (cited by Labcorp Genetics (formerly Invitae), Labcorp).

NM_000540.3(RYR1):c.7018T>C (p.Phe2340Leu)

Gene: RYR1 (ryanodine receptor 1; plus strand). Cytogenetic location: 19q13.2.
Variant type: single nucleotide variant.
Coding change: c.7018T>C on transcript NM_000540.3 (MANE Select); coding-DNA position 7018, T replaced by C.
Protein change: p.Phe2340Leu; replaces phenylalanine 2340 with leucine.
Molecular consequence: missense variant.
Genome position (GRCh38, 1-based): chr19:38,499,234, T>C. VCF-style: chr19-38499234-T-C. GRCh37 (hg19) VCF-style: chr19-38989874-T-C.
Other names: NM_001042723.2:c.7018T>C; c.7018T>C, p.Phe2340Leu (NM_001042723.2); short protein forms F2340L.
Identifiers: ClinVar variation 1213821 (VCV001213821.9), dbSNP rs1969983957, ClinGen allele CA405667490.